The following is an entry in ClinVar:

ClinVar aggregate classification (germline): Benign (1 of 4 stars; one submission).

Conditions:
Neurodegeneration with brain iron accumulation 4 (NBIA4). Also called: MITOCHONDRIAL PROTEIN-ASSOCIATED NEURODEGENERATION. Identifiers: Orphanet 289560, MedGen C3280371, MONDO:0013674, OMIM 614298. Disease mechanism: loss of function.

Allele frequency attached by ClinVar (database versions not stated): ExAC 0.00102; gnomAD exomes 0.00150 and 0.00252; gnomAD 0.01014 and 0.01087; TOPMed 0.01180; 1000 Genomes Project 0.01198; 1000 Genomes Project 30x 0.01280.
gnomAD v4.1: 1,996 of 453,778 alleles (0.44%); highest among the groups gnomAD compares: African/African-American, 3.5%; 44 homozygotes.

Submission:

Illumina Laboratory Services, Illumina
Classification: Benign for Neurodegeneration with brain iron accumulation 4. Last evaluated: 2018-01-13. Review status: criteria provided, single submitter. Criteria: ICSL Variant Classification Criteria 13 December 2019. Collection method: clinical testing. Allele origin: germline.
Comment: This variant was observed in the ICSL laboratory as part of a predisposition screen in an ostensibly healthy population. It had not been previously curated by ICSL or reported in the Human Gene Mutation Database (HGMD: prior to June 1st, 2018), and was therefore a candidate for classification through an automated scoring system. Utilizing variant allele frequency, disease prevalence and penetrance estimates, and inheritance mode, an automated score was calculated to assess if this variant is too frequent to cause the disease. Based on the score and internal cut-off values, a variant classified as benign is not then subjected to further curation. The score for this variant resulted in a classification of benign for this disease.

NM_031448.6(C19orf12):c.*3571C>T

Gene: C19orf12 (chromosome 19 open reading frame 12; minus strand). Cytogenetic location: 19q12.
Variant type: single nucleotide variant.
Coding change: c.*3571C>T on transcript NM_031448.6 (MANE Select); 3571 bases downstream of the stop codon, C replaced by T.
Molecular consequence: 3 prime UTR variant.
Genome position (GRCh38, 1-based): chr19:29,699,141, G>A on the plus strand (C>T on the coding strand, the complement: C19orf12 is on the minus strand). VCF-style: chr19-29699141-G-A. GRCh37 (hg19) VCF-style: chr19-30190048-G-A.
Other names: c.*3571C>T (NM_001031726.4, NM_001256047.2, NM_001282929.1 and 2 more transcripts); c.*3618C>T (NM_001256046.3).
Identifiers: ClinVar variation 328655 (VCV000328655.5), dbSNP rs74868577, ClinGen allele CA9351604.
Genomic context (GRCh38, chr19:29,699,141, plus strand): 5'-GGAATTTTAAATTACATCAAAAATATTATTTAACATTCATTGATACAGGTGTTCAAAGGG[G>A]CATATAGGATAAGAAGGCAAGTACGTTAGAAATATACATACATAGGCCGGGCGCAGTGGC-3'